The following is an entry in ClinVar:

ClinVar aggregate classification (germline): Uncertain significance (1 of 4 stars; one submission).

Conditions:
Inborn genetic diseases. Identifiers: MedGen C0950123, MeSH D030342.

Submission:

Ambry Genetics
Classification: Uncertain significance for Inborn genetic diseases. Last evaluated: 2022-06-20. Review status: criteria provided, single submitter. Criteria: Ambry Variant Classification Scheme 2023. Collection method: clinical testing. Allele origin: germline.
Comment: The p.S354C variant (also known as c.1061C>G), located in coding exon 9 of the ACD gene, results from a C to G substitution at nucleotide position 1061. The serine at codon 354 is replaced by cysteine, an amino acid with dissimilar properties. This amino acid position is conserved. In addition, this alteration is predicted to be tolerated by in silico analysis. Since supporting evidence is limited at this time, the clinical significance of this alteration remains unclear.

NM_001082486.2(ACD):c.803C>G (p.Ser268Cys)

Gene: ACD (ACD shelterin complex subunit and telomerase recruitment factor; minus strand). Cytogenetic location: 16q22.1.
Variant type: single nucleotide variant.
Coding change: c.803C>G on transcript NM_001082486.2 (MANE Select); coding-DNA position 803, C replaced by G.
Protein change: p.Ser268Cys; replaces serine 268 with cysteine.
Molecular consequence: missense variant.
Genome position (GRCh38, 1-based): chr16:67,658,581, G>C on the plus strand (C>G on the coding strand, the complement: ACD is on the minus strand). VCF-style: chr16-67658581-G-C. GRCh37 (hg19) VCF-style: chr16-67692484-G-C.
Other names: c.794C>G, p.Ser265Cys (NM_022914.3); short protein forms S268C, S265C.
Identifiers: ClinVar variation 1780363 (VCV001780363.2), dbSNP rs2543601165, ClinGen allele CA396353194.